The following is an entry in ClinVar:

NM_021926.4(ALX4):c.*2110A>G

Gene: ALX4 (ALX homeobox 4; minus strand). Cytogenetic location: 11p11.2.
Variant type: single nucleotide variant.
Coding change: c.*2110A>G on transcript NM_021926.4 (MANE Select); 2110 bases downstream of the stop codon, A replaced by G.
Molecular consequence: 3 prime UTR variant.
Genome position (GRCh38, 1-based): chr11:44,262,744, T>C on the plus strand (A>G on the coding strand, the complement: ALX4 is on the minus strand). VCF-style: chr11-44262744-T-C. GRCh37 (hg19) VCF-style: chr11-44284294-T-C.
Other names: c.*2110A>G (LRG_1256t1).
Identifiers: ClinVar variation 304644 (VCV000304644.6), dbSNP rs7105993, ClinGen allele CA10639090.

ClinVar aggregate classification (germline): Benign. Review status: criteria provided, multiple submitters, no conflicts (2 of 4 stars). 2 submissions from 2 submitters: Benign (2). Last evaluated 2018-01-13.

Conditions:
Parietal foramina 2 (PFM2). Identifiers: Orphanet 60015, MedGen C1865044, MONDO:0012309, OMIM 609597.

Allele frequency attached by ClinVar (database versions not stated): TOPMed 0.99048; 1000 Genomes Project 30x 0.99063; gnomAD 0.99108 and 0.99174; 1000 Genomes Project 0.99181; gnomAD exomes 1.00000.
gnomAD v4.1: 151,019 of 152,264 alleles (99%); highest among the groups gnomAD compares: East Asian, 100%; 74,902 homozygotes.

Submissions (2):

Illumina Laboratory Services, Illumina
Classification: Benign for Parietal foramina 2. Last evaluated: 2018-01-13. Review status: criteria provided, single submitter. Criteria: ICSL Variant Classification Criteria 13 December 2019. Collection method: clinical testing. Allele origin: germline.
Comment: This variant was observed in the ICSL laboratory as part of a predisposition screen in an ostensibly healthy population. It had not been previously curated by ICSL or reported in the Human Gene Mutation Database (HGMD: prior to June 1st, 2018), and was therefore a candidate for classification through an automated scoring system. Utilizing variant allele frequency, disease prevalence and penetrance estimates, and inheritance mode, an automated score was calculated to assess if this variant is too frequent to cause the disease. Based on the score and internal cut-off values, a variant classified as benign is not then subjected to further curation. The score for this variant resulted in a classification of benign for this disease.

Breakthrough Genomics
Classification: Benign. Review status: criteria provided, single submitter. Criteria: ACMG Guidelines, 2015. Collection method: not provided. Allele origin: germline. Inheritance: Autosomal recessive inheritance. Affected: yes.